The following is an entry in ClinVar:

ClinVar aggregate classification (germline): Pathogenic (1 of 4 stars; one submission).

Conditions:
Cardiovascular phenotype. Identifiers: MedGen CN230736.
Hereditary cancer-predisposing syndrome. Also called: Hereditary Cancer Syndrome; Hereditary neoplastic syndrome; Neoplastic Syndromes, Hereditary; Tumor predisposition. Identifiers: Orphanet 140162, MedGen C0027672, MeSH D009386, MONDO:0015356.

Submission:

Ambry Genetics
Classification: Pathogenic for Cardiovascular phenotype; Hereditary cancer-predisposing syndrome. Last evaluated: 2020-04-23. Review status: criteria provided, single submitter. Criteria: Ambry Variant Classification Scheme 2023. Collection method: clinical testing. Allele origin: germline.
Comment: The c.1428delA pathogenic mutation, located in coding exon 13 of the NF1 gene, results from a deletion of one nucleotide at nucleotide position 1428, causing a translational frameshift with a predicted alternate stop codon (p.K476Nfs*22). This alteration is expected to result in loss of function by premature protein truncation or nonsense-mediated mRNA decay. As such, this alteration is interpreted as a disease-causing mutation.

NM_001042492.3(NF1):c.1428del (p.Lys476fs)

Gene: NF1 (neurofibromin 1; plus strand). Cytogenetic location: 17q11.2.
Variant type: Deletion.
Coding change: c.1428del on transcript NM_001042492.3 (MANE Select); coding-DNA position 1428, one base deleted (A; older notation c.1428delA).
Protein change: p.Lys476fs; shifts the reading frame from lysine 476.
Molecular consequence: frameshift variant.
Genome position (GRCh38, 1-based): chr17:31,214,486, A deleted; the last of 3 consecutive A bases (chr17:31,214,484-31,214,486); deleting any one gives the same sequence. VCF-style (leftmost placement, unchanged base first): chr17-31214483-TA-T. GRCh37 (hg19) VCF-style: chr17-29541501-TA-T.
Other names: c.1428delA (NM_000267.3); c.1428delA, p.Lys476Asnfs (NM_000267.4); c.1428del, p.Lys476fs (NM_001128147.3); short protein forms K476fs.
Identifiers: ClinVar variation 1772423 (VCV001772423.2), dbSNP rs2544829228, ClinGen allele CA2580092790.